The following is an entry in ClinVar:

ClinVar aggregate classification (germline): Pathogenic/Likely pathogenic. Review status: criteria provided, multiple submitters, no conflicts (2 of 4 stars). 2 submissions from 2 submitters: Pathogenic (1); Likely pathogenic (1). Last evaluated 2024-10-15.

Conditions:
Propionic acidemia (PROP). Also called: GLYCINEMIA, KETOTIC; HYPERGLYCINEMIA WITH KETOACIDOSIS AND LEUKOPENIA; KETOTIC HYPERGLYCINEMIA. Identifiers: Orphanet 35, MedGen C0268579, MONDO:0011628, OMIM 606054, HP:0003571.

Allele frequency attached by ClinVar (database versions not stated): TOPMed 0.00001.
gnomAD v4.1: 1 of 1,611,672 alleles (0.000062%); highest among the groups gnomAD compares: Non-Finnish European, 0.000085%; no homozygotes.

Submissions (2):

Labcorp Genetics (formerly Invitae), Labcorp
Classification: Pathogenic for Propionic acidemia. Last evaluated: 2024-10-15. Review status: criteria provided, single submitter. Criteria: Invitae Variant Classification Sherloc (09022015). Collection method: clinical testing. Allele origin: germline.
Comment: This sequence change replaces phenylalanine, which is neutral and non-polar, with serine, which is neutral and polar, at codon 391 of the PCCB protein (p.Phe391Ser). This variant is not present in population databases (gnomAD no frequency). This missense change has been observed in individual(s) with clinical features of propionic acidemia and/or propionic acidemia (PMID: 33981581; internal data). In at least one individual the data is consistent with being in trans (on the opposite chromosome) from a pathogenic variant. ClinVar contains an entry for this variant (Variation ID: 1942487). Invitae Evidence Modeling of protein sequence and biophysical properties (such as structural, functional, and spatial information, amino acid conservation, physicochemical variation, residue mobility, and thermodynamic stability) indicates that this missense variant is expected to disrupt PCCB protein function with a positive predictive value of 95%. For these reasons, this variant has been classified as Pathogenic.

Women's Health and Genetics/Laboratory Corporation of America, LabCorp
Classification: Likely pathogenic for Propionic acidemia. Last evaluated: 2023-06-05. Review status: criteria provided, single submitter. Criteria: LabCorp Variant Classification Summary - May 2015. Collection method: clinical testing. Allele origin: germline.
Comment: Variant summary: PCCB c.1172T>C (p.Phe391Ser) results in a non-conservative amino acid change to a highly conserved residue (HGMD) located in the Acetyl-coenzyme A carboxyltransferase, C-terminal (IPR011763) of the encoded protein sequence. Another missense variant affecting this residue (p.Phe391Cys) has been classified as likely pathogenic by a ClinVar submitter. Five of five in-silico tools predict a damaging effect of the variant on protein function. The variant was absent in 251416 control chromosomes (gnomAD). c.1172T>C has been reported in the literature in individuals affected with Propionic Acidemia who were compound heterozygous with another pathogenic variant (Mobarak_2021). These data indicate that the variant is likely associated with disease. To our knowledge, no experimental evidence demonstrating an impact on protein function has been reported. The following publication has been ascertained in the context of this evaluation (PMID: 33981581). One clinical diagnostic laboratory has submitted a clinical-significance assessment for this variant to ClinVar after 2014, and classified it as pathogenic. Based on the evidence outlined above, the variant was classified as likely pathogenic.

Literature cited by the submitters: PubMed 33981581 (cited by Labcorp Genetics (formerly Invitae), Labcorp and Women's Health and Genetics/Laboratory Corporation of America, LabCorp).

NM_000532.5(PCCB):c.1172T>C (p.Phe391Ser)

Gene: PCCB (propionyl-CoA carboxylase subunit beta; plus strand). Cytogenetic location: 3q22.3.
Variant type: single nucleotide variant.
Coding change: c.1172T>C on transcript NM_000532.5 (MANE Select); coding-DNA position 1172, T replaced by C.
Protein change: p.Phe391Ser; replaces phenylalanine 391 with serine.
Molecular consequence: missense variant.
Genome position (GRCh38, 1-based): chr3:136,326,884, T>C. VCF-style: chr3-136326884-T-C. GRCh37 (hg19) VCF-style: chr3-136045726-T-C.
Other names: c.1172T>C (NM_000532.4); c.1232T>C, p.Phe411Ser (NM_001178014.2); short protein forms F391S, F411S.
Identifiers: ClinVar variation 1942487 (VCV001942487.6), dbSNP rs1189355322, ClinGen allele CA354648766.
Genomic context (GRCh38, chr3:136,326,884, plus strand): 5'-CTGTGAAAGGGGCTCGTTTTGTCAGATTCTGTGATGCATTCAATATTCCACTCATCACTT[T>C]TGTTGATGTCCCTGGCTTTCTACCTGGTAAGTTTTTGACAGAGTGGGGGCTAGGAGAGTT-3'
Protein context (NP_000523.2, residues 381-401): CDAFNIPLIT[Phe391Ser]VDVPGFLPGT